The following is an entry in ClinVar:

ClinVar aggregate classification (germline): Uncertain significance (1 of 4 stars; one submission).

Conditions:
Spastic paraplegia. Identifiers: MedGen C0037772, HP:0001258.

Allele frequency attached by ClinVar (database versions not stated): TOPMed below 0.00001; ExAC 0.00001; gnomAD exomes 0.00001.
gnomAD v4.1: 14 of 1,614,038 alleles (0.00087%); highest among the groups gnomAD compares: Non-Finnish European, 0.00085%; no homozygotes.

Submission:

Labcorp Genetics (formerly Invitae), Labcorp
Classification: Uncertain significance for Spastic paraplegia. Last evaluated: 2023-12-11. Review status: criteria provided, single submitter. Criteria: Invitae Variant Classification Sherloc (09022015). Collection method: clinical testing. Allele origin: germline.
Comment: This sequence change replaces glutamic acid, which is acidic and polar, with lysine, which is basic and polar, at codon 637 of the KIF5A protein (p.Glu637Lys). This variant is present in population databases (rs754718000, gnomAD 0.0009%). This variant has not been reported in the literature in individuals affected with KIF5A-related conditions. Advanced modeling of protein sequence and biophysical properties (such as structural, functional, and spatial information, amino acid conservation, physicochemical variation, residue mobility, and thermodynamic stability) has been performed at Invitae for this missense variant, however the output from this modeling did not meet the statistical confidence thresholds required to predict the impact of this variant on KIF5A protein function. In summary, the available evidence is currently insufficient to determine the role of this variant in disease. Therefore, it has been classified as a Variant of Uncertain Significance.

NM_004984.4(KIF5A):c.1909G>A (p.Glu637Lys)

Gene: KIF5A (kinesin family member 5A; plus strand). Cytogenetic location: 12q13.3.
Variant type: single nucleotide variant.
Coding change: c.1909G>A on transcript NM_004984.4 (MANE Select); coding-DNA position 1909, G replaced by A.
Protein change: p.Glu637Lys; replaces glutamic acid 637 with lysine.
Molecular consequence: missense variant.
Genome position (GRCh38, 1-based): chr12:57,575,643, G>A. VCF-style: chr12-57575643-G-A. GRCh37 (hg19) VCF-style: chr12-57969426-G-A.
Other names: c.1642G>A, p.Glu548Lys (NM_001354705.2); short protein forms E548K, E637K.
Identifiers: ClinVar variation 2726079 (VCV002726079.3), dbSNP rs754718000, ClinGen allele CA6652942.